The following is an entry in ClinVar:

NM_006158.5(NEFL):c.1117C>T (p.Gln373Ter)

Genes: NEFL (neurofilament light chain; minus strand), LOC126860330 (BRD4-independent group 4 enhancer GRCh37_chr8:24811677-24812876; plus strand). Cytogenetic location: 8p21.2.
Variant type: single nucleotide variant.
Coding change: c.1117C>T on transcript NM_006158.5 (MANE Select); coding-DNA position 1117, C replaced by T.
Protein change: p.Gln373Ter; replaces glutamine 373 with a stop codon.
Molecular consequence: nonsense.
Genome position (GRCh38, 1-based): chr8:24,954,233, G>A on the plus strand (C>T on the coding strand, the complement: NEFL is on the minus strand). VCF-style: chr8-24954233-G-A. GRCh37 (hg19) VCF-style: chr8-24811747-G-A.
Other names: short protein forms Q373*.
Identifiers: ClinVar variation 533513 (VCV000533513.8), dbSNP rs757417962, ClinGen allele CA370620879.

ClinVar aggregate classification (germline): Pathogenic (1 of 4 stars; one submission).

Conditions:
Charcot-Marie-Tooth disease type 2E (CMT2E). Also called: CHARCOT-MARIE-TOOTH DISEASE, AXONAL, TYPE 2E; CHARCOT-MARIE-TOOTH NEUROPATHY, TYPE 2E. Identifiers: Orphanet 99939, MedGen C1843225, MONDO:0011894, OMIM 607684.

Submission:

Labcorp Genetics (formerly Invitae), Labcorp
Classification: Pathogenic for Charcot-Marie-Tooth disease type 2E. Last evaluated: 2021-02-08. Review status: criteria provided, single submitter. Criteria: Invitae Variant Classification Sherloc (09022015). Collection method: clinical testing. Allele origin: germline.
Comment: For these reasons, this variant has been classified as Pathogenic. Loss-of-function variants in NEFL are known to be pathogenic (PMID: 19158810, 20039262). This variant has not been reported in the literature in individuals with NEFL-related disease. ClinVar contains an entry for this variant (Variation ID: 533513). This variant is not present in population databases (ExAC no frequency). This sequence change creates a premature translational stop signal (p.Gln373*) in the NEFL gene. It is expected to result in an absent or disrupted protein product.

Literature cited by the submitters: PubMed 19158810; PubMed 20039262.